The following is an entry in ClinVar:

ClinVar aggregate classification (germline): Pathogenic. Review status: criteria provided, multiple submitters, no conflicts (2 of 4 stars). 2 submissions from 2 submitters: Pathogenic (2). Last evaluated 2020-10-23.

Submissions (2):

Institute of Medical Genetics and Applied Genomics, University Hospital Tübingen
Classification: Pathogenic. Last evaluated: 2020-10-23. Review status: criteria provided, single submitter. Criteria: ACMG Guidelines, 2015. Collection method: clinical testing. Allele origin: germline. Inheritance: Unknown mechanism. Affected: yes.

GeneDx
Classification: Pathogenic. Last evaluated: 2016-10-07. Review status: criteria provided, single submitter. Criteria: GeneDx Variant Classification (06012015). Collection method: clinical testing. Allele origin: germline. Affected: yes.
Comment: The c.711dupC pathogenic variant in the PURA gene has not been reported previously as a pathogenic variant nor as a benign variant, to our knowledge. The c.711dupC variant causes a frameshift starting with codon Asparagine 238, changes this amino acid to a Glutamine residue, and creates a premature Stop codon at position 56 of the new reading frame, denoted p.Asn238GlnfsX56. This frameshift variant replaces the typical last 85 amino acid residues in the PURA protein with 55 incorrect amino acid residues and is predicted to result in a truncated protein which may have an altered structure or function. The c.711dupC variant was not observed in approximately 6500 individuals of European and African American ancestry in the NHLBI Exome Sequencing Project, indicating it is not a common benign variant in these populations. We interpret c.711dupC as a pathogenic variant.

NM_005859.5(PURA):c.711dup (p.Asn238fs)

Gene: PURA (purine rich element binding protein A; plus strand). Cytogenetic location: 5q31.3.
Variant type: Duplication.
Coding change: c.711dup on transcript NM_005859.5 (MANE Select); coding-DNA position 711, one base duplicated (C; older notation c.711dupC).
Protein change: p.Asn238fs; shifts the reading frame from asparagine 238.
Molecular consequence: frameshift variant.
Genome position (GRCh38, 1-based): chr5:140,114,892, C duplicated; the last of 2 consecutive C bases (chr5:140,114,891-140,114,892); duplicating either gives the same sequence. VCF-style (leftmost placement, unchanged base first): chr5-140114890-T-TC. GRCh37 (hg19) VCF-style: chr5-139494475-T-TC.
Other names: short protein forms N238fs.
Identifiers: ClinVar variation 280894 (VCV000280894.4), dbSNP rs886042017, ClinGen allele CA10602930.